The following is an entry in ClinVar:

ClinVar aggregate classification (germline): Uncertain significance (1 of 4 stars; one submission).

Conditions:
Autosomal recessive congenital ichthyosis 5 (ARCI5). Also called: ICHTHYOSIS CONGENITA III; Ichthyosis, nonlamellar and nonerythrodermic, congenital, autosomal recessive. Identifiers: Orphanet 313, MedGen C1858133, MONDO:0011485, OMIM 604777.

Submission:

First Genomix Gene Laboratory, Genetic Diagnostics Department
Classification: Uncertain significance for Autosomal recessive congenital ichthyosis 5. Last evaluated: 2025-07-31. Review status: criteria provided, single submitter. Criteria: ACMG Guidelines, 2015. Collection method: clinical testing. Allele origin: germline. Inheritance: Autosomal recessive inheritance. Affected: yes. Observed: 1 variant allele.

NM_173483.4(CYP4F22):c.1043T>C (p.Leu348Pro)

Gene: CYP4F22 (cytochrome P450 family 4 subfamily F member 22; plus strand). Cytogenetic location: 19p13.12.
Variant type: single nucleotide variant.
Coding change: c.1043T>C on transcript NM_173483.4 (MANE Select); coding-DNA position 1043, T replaced by C.
Protein change: p.Leu348Pro; replaces leucine 348 with proline.
Molecular consequence: missense variant.
Genome position (GRCh38, 1-based): chr19:15,544,186, T>C. VCF-style: chr19-15544186-T-C. GRCh37 (hg19) VCF-style: chr19-15654997-T-C.
Other names: short protein forms L348P.
Identifiers: ClinVar variation 4850560 (VCV004850560.1).